The following is an entry in ClinVar:

NM_001009999.3(KDM1A):c.1268A>T (p.Asn423Ile)

Gene: KDM1A (lysine demethylase 1A; plus strand). Cytogenetic location: 1p36.12.
Variant type: single nucleotide variant.
Coding change: c.1268A>T on transcript NM_001009999.3 (MANE Select); coding-DNA position 1268, A replaced by T.
Protein change: p.Asn423Ile; replaces asparagine 423 with isoleucine.
Molecular consequence: missense variant.
Genome position (GRCh38, 1-based): chr1:23,068,627, A>T. VCF-style: chr1-23068627-A-T. GRCh37 (hg19) VCF-style: chr1-23395120-A-T.
Other names: c.1196A>T, p.Asn399Ile (NM_001363654.2, NM_001410763.1, NM_015013.4); c.1256A>T, p.Asn419Ile (NM_001410762.1); short protein forms N399I, N419I, N423I.
Identifiers: ClinVar variation 4091118 (VCV004091118.1).

ClinVar aggregate classification (germline): Uncertain significance (1 of 4 stars; one submission).

Conditions:
Inborn genetic diseases. Identifiers: MedGen C0950123, MeSH D030342.

gnomAD v4.1: 1 of 1,604,740 alleles (0.000062%); highest among the groups gnomAD compares: Non-Finnish European, 0.000085%; no homozygotes.

Submission:

Ambry Genetics
Classification: Uncertain significance for Inborn genetic diseases. Last evaluated: 2025-09-14. Review status: criteria provided, single submitter. Criteria: Ambry Variant Classification Scheme 2023. Collection method: clinical testing. Allele origin: germline.
Comment: The p.N423I variant (also known as c.1268A>T), located in coding exon 11 of the KDM1A gene, results from an A to T substitution at nucleotide position 1268. The asparagine at codon 423 is replaced by isoleucine, an amino acid with dissimilar properties. This amino acid position is conserved. In addition, the in silico prediction for this alteration is inconclusive. Based on the available evidence, the clinical significance of this variant remains unclear.